The following is an entry in ClinVar:

ClinVar aggregate classification (germline): Uncertain significance. Review status: reviewed by expert panel (3 of 4 stars). 3 submissions from 3 submitters: Uncertain significance (1). 2 of the submissions do not count toward it. Last evaluated 2024-05-02.

Conditions:
Glanzmann thrombasthenia. Also called: PLATELET GLYCOPROTEIN IIb-IIIa DEFICIENCY; BLEEDING DISORDER, PLATELET-TYPE, 2; THROMBASTHENIA OF GLANZMANN AND NAEGELI; Glanzmann's thrombasthenia; Thrombasthenia. Identifiers: Orphanet 849, MedGen C0040015, MONDO:0100326.

Allele frequency attached by ClinVar (database versions not stated): gnomAD exomes 0.00005; ExAC 0.00019; gnomAD 0.00042; TOPMed 0.00053; ESP Exome Variant Server 0.00062; 1000 Genomes Project 0.00080; 1000 Genomes Project 30x 0.00094.

Submissions (3):

ClinGen Platelet Disorders Variant Curation Expert Panel, ClinGen
Classification: Uncertain significance for Glanzmann thrombasthenia. Last evaluated: 2024-05-02. Review status: reviewed by expert panel. Criteria: ClinGen Platelet ACMG Specifications v2-1. Collection method: curation. Allele origin: germline. Inheritance: Autosomal recessive inheritance.
Comment: The c.2249G>A variant in ITGB3 is a missense variant predicted to cause substitution of Arginine by Glutamine at amino acid 750 (p.Arg750Gln). The highest population minor allele frequency in gnomAD v4.0.0 is 0.001679 (126/75042 alleles) in the African/African American population, which is higher than the ClinGen PD VCEP threshold (>0.00158) for BS1, and therefore meets this criterion (BS1). The computational predictor REVEL gives a score of 0.912, which is above the ClinGen PD VCEP threshold of >0.7 and predicts a damaging effect on function (PP3). Due to conflicting evidence, this variant is classified as a variant of unknown significance for autosomal recessive Glanzmann thrombasthenia based on the ACMG/AMP criteria applied, as specified by the ClinGen PD-VCEP: BS1 and PP3 (VCEP specifications version 2; date of approval 05/02/2024).

Labcorp Genetics (formerly Invitae), Labcorp
Classification: Likely benign. Last evaluated: 2025-11-25. Review status: criteria provided, single submitter. Criteria: Invitae Variant Classification Sherloc (09022015). Collection method: clinical testing. Allele origin: germline. Not counted in ClinVar's aggregate classification.

GeneDx
Classification: Uncertain significance. Last evaluated: 2023-02-28. Review status: criteria provided, single submitter. Criteria: GeneDx Variant Classification Process June 2021. Collection method: clinical testing. Allele origin: germline. Affected: yes. Not counted in ClinVar's aggregate classification.
Comment: In silico analysis supports that this missense variant has a deleterious effect on protein structure/function; Has not been previously published as pathogenic or benign to our knowledge

NM_000212.3(ITGB3):c.2249G>A (p.Arg750Gln)

Genes: ITGB3 (integrin subunit beta 3; plus strand), EFCAB13-DT (EFCAB13 divergent transcript; minus strand). Cytogenetic location: 17q21.32.
Variant type: single nucleotide variant.
Coding change: c.2249G>A on transcript NM_000212.3 (MANE Select); coding-DNA position 2249, G replaced by A.
Protein change: p.Arg750Gln; replaces arginine 750 with glutamine.
Molecular consequence: missense variant.
Genome position (GRCh38, 1-based): chr17:47,307,585, G>A. VCF-style: chr17-47307585-G-A. GRCh37 (hg19) VCF-style: chr17-45384951-G-A.
Other names: NM_000212.3(ITGB3):c.2249G>A; p.Arg750Gln; short protein forms R750Q.
Identifiers: ClinVar variation 2092257 (VCV002092257.6), dbSNP rs142117362, ClinGen allele CA8623481.